The following is an entry in ClinVar:

NM_000531.6(OTC):c.943G>T (p.Val315Phe)

Gene: OTC (ornithine transcarbamylase; plus strand). Cytogenetic location: Xp11.4.
Variant type: single nucleotide variant.
Coding change: c.943G>T on transcript NM_000531.6 (MANE Select); coding-DNA position 943, G replaced by T.
Protein change: p.Val315Phe; replaces valine 315 with phenylalanine.
Molecular consequence: missense variant.
Genome position (GRCh38, 1-based): chrX:38,411,937, G>T. VCF-style: chrX-38411937-G-T. GRCh37 (hg19) VCF-style: chrX-38271190-G-T.
Other names: short protein forms V315F.
Identifiers: ClinVar variation 97365 (VCV000097365.2), dbSNP rs72558470, ClinGen allele CA224846.

ClinVar aggregate classification (germline): Likely pathogenic. Review status: criteria provided, single submitter (1 of 4 stars). 2 submissions from 2 submitters: Likely pathogenic (1). 1 of the submissions does not count toward it. Last evaluated 2016-09-20.

Conditions:
Ornithine carbamoyltransferase deficiency (OTCD). Also called: ORNITHINE TRANSCARBAMYLASE DEFICIENCY, HYPERAMMONEMIA DUE TO; ORNITHINE TRANSCARBAMYLASE DEFICIENCY; OTC DEFICIENCY; Ornithine Carbamoyltransferase Deficiency Disease. Identifiers: Orphanet 664, MedGen C0268542, MONDO:0010703, OMIM 311250.

Submissions (2):

Women's Health and Genetics/Laboratory Corporation of America, LabCorp
Classification: Likely pathogenic for Ornithine carbamoyltransferase deficiency. Last evaluated: 2016-09-20. Review status: criteria provided, single submitter. Criteria: LabCorp Variant Classification Summary - May 2015. Collection method: clinical testing. Allele origin: germline.
Comment: Variant summary: The OTC c.943G>T (p.Val315Phe) variant involves the alteration of a conserved nucleotide. Val315 is located in the Aspartate/ornithine carbamoyltransferase, Asp/Orn-binding domain (InterPro). 5/5 in silico tools predict a damaging outcome for this variant. This variant is absent in 87705 control chromosomes. p.Val315Gly and p.Val315Asp have been classified as pathogenic in ClinVar and HGMD, suggesting Val315 is critical for the function of OTC protein. In addition, one clinical diagnostic laboratory/reputable database has classified this variant as pathogenic. Taken together, this variant is classified as likely pathogenic until additional data becomes available (occurrences in OTCD patients and functional studies).

GenMed Metabolism Lab
Classification: Pathogenic. Review status: no assertion criteria provided. Collection method: not provided. Allele origin: unknown. Not counted in ClinVar's aggregate classification.
ClinVar note: Converted during submission from pathogenic to Pathogenic.

Literature cited by the submitters: PubMed 16786505 (cited by Women's Health and Genetics/Laboratory Corporation of America, LabCorp).